The following is an entry in ClinVar:

ClinVar aggregate classification (germline): Pathogenic/Likely pathogenic. Review status: criteria provided, multiple submitters, no conflicts (2 of 4 stars). 5 submissions from 5 submitters: Pathogenic (1); Likely pathogenic (3). 1 of the submissions does not count toward it. Last evaluated 2026-04-21.

Conditions:
Cardiovascular phenotype. Identifiers: MedGen CN230736.
Familial long QT syndrome (RWS). Also called: Romano-Ward syndrome; VENTRICULAR FIBRILLATION WITH PROLONGED QT INTERVAL; Congenital long QT syndrome. Identifiers: Orphanet 768, MedGen C1141890, MONDO:0019171.
Short QT syndrome type 1. Identifiers: Orphanet 51083, MedGen C1865020, MONDO:0012312, OMIM 609620.
Long QT syndrome 2 (LQT2). Identifiers: Orphanet 101016, Orphanet 768, MedGen C3150943, MONDO:0013367, OMIM 613688.
Long QT syndrome (LQTS). Identifiers: MedGen C0023976, MeSH D008133, MONDO:0002442. Disease mechanism: loss of function. Inheritance: Various modes of inheritance.

Submissions (5):

Ambry Genetics
Classification: Likely pathogenic for Cardiovascular phenotype. Last evaluated: 2026-04-21. Review status: criteria provided, single submitter. Criteria: Ambry Variant Classification Scheme 2023. Collection method: clinical testing. Allele origin: germline.
Comment: The p.F805C variant (also known as c.2414T>G), located in coding exon 10 of the KCNH2 gene, results from a T to G substitution at nucleotide position 2414. The phenylalanine at codon 805 is replaced by cysteine, an amino acid with highly dissimilar properties, and is located in the cyclic nucleotide binding domain. This alteration has been previously reported in long QT syndrome cohorts; however, clinical details were limited (Splawski I et al. Circulation. 2000;102:1178-85; Tester DJ et al. Heart Rhythm. 2005;2:507-17). In vitro analyses performed in human cell lines by multiple labs demonstrate that F805C results in defective trafficking and reduced potassium current (Ficker E et al. J. Biol. Chem. 2002;277:4989-98; Delisle BP et al. J. Biol. Chem. 2003;278:35749-54; Walker VE et al. J. Biol. Chem. 2007;282:23509-16). A functional assay in zebrafish also suggests that this variant results in deficient protein function (Jou CJ et al. Circ. Res. 2013;112:826-30). Internal structural analysis indicates that the alteration lies buried in a domain and is more destabilizing than other variants in the region; however, the only other buried variant in the region is stabilizing (Wang W and McKinnon R. Cell. 2017;169(3):422-430). This variant is considered to be rare based on population cohorts in the Genome Aggregation Database (gnomAD). This amino acid position is highly conserved in available vertebrate species. In addition, this alteration is predicted to be deleterious by in silico analysis. Based on the majority of available evidence to date, this variant is likely to be pathogenic.

Fulgent Genetics
Classification: Likely pathogenic for Short QT syndrome type 1; Long QT syndrome 2. Last evaluated: 2024-02-02. Review status: criteria provided, single submitter. Criteria: ACMG Guidelines, 2015. Collection method: clinical testing. Allele origin: germline.

Labcorp Genetics (formerly Invitae), Labcorp
Classification: Likely pathogenic for Long QT syndrome. Last evaluated: 2016-12-25. Review status: criteria provided, single submitter. Criteria: Invitae Variant Classification Sherloc (09022015). Collection method: clinical testing. Allele origin: germline.
Comment: This sequence change replaces phenylalanine with cysteine at codon 805 of the KCNH2 protein (p.Phe805Cys). The phenylalanine residue is highly conserved and there is a large physicochemical difference between phenylalanine and cysteine. This variant is not present in population databases (rs199472999, ExAC no frequency). This variant has been reported in a family affected with long QT syndrome (PMID: 11854117). ClinVar contains an entry for this variant (Variation ID: 67397). This variant identified in the KCNH2 gene is located in the cytoplasmic cyclic nucleotide binding region of the resulting protein (PMID: 19841300). Experimental studies have shown that this variant affects protein trafficking and therefore potassium channel current (PMID: 16432067, 23303164, 11741928, 12837749) For these reasons, this variant has been classified as Likely Pathogenic.

GeneDx
Classification: Pathogenic. Last evaluated: 2013-04-16. Review status: criteria provided, single submitter. Criteria: GeneDx Variant Classification (06012015). Collection method: clinical testing. Allele origin: germline. Affected: yes.
Comment: p.Phe805Cys (TTT>TGT): c.2414 T>G in exon 10 of the KCNH2 gene (NM_000238.2)The Phe805Cys mutation in the KCNH2 gene has been reported previously in one individual diagnosed with LQTS (Splawski I et al., 2000). Functional studies have shown that Phe805Cys results in a trafficking defect and consequent reduced potassium channel current (Ficker E et al., 2002; Anderson C et al., 2006). Also, a mutation affecting this same residue, Phe805Ser, has been reported in association with LQTS and was absent from more than 400 control alleles in this study (Splawski I et al., 2000). Mutations in nearby residues (Gly800Glu, Gly800Trp, Gly806Glu) have been reported in association with LQTS, supporting the functional importance of this residue and this region of the protein. Furthermore, Phe805Cys was not observed in approximately 6500 individuals of European and African American ancestry in the NHLBI Exome Sequencing Project, indicating it is not a common benign variant in these populations. In summary, Phe805Cys in the KCNH2 gene is interpreted as a disease-causing mutation. The variant is found in LQT panel(s).

Cardiovascular Biomedical Research Unit, Royal Brompton & Harefield NHS Foundation Trust
No classification provided. Condition: Familial long QT syndrome. Review status: no classification provided. Collection method: literature only. Allele origin: germline. Not counted in ClinVar's aggregate classification.
Comment: This variant has been reported as associated with Long QT syndrome in the following publications (PMID:10973849;PMID:11854117;PMID:15840476;PMID:16432067;PMID:18468596;PMID:11741928). This is a literature report, and does not necessarily reflect the clinical interpretation of the Imperial College / Royal Brompton Cardiovascular Genetics laboratory.

Literature cited by the submitters: PubMed 10973849 (cited by Ambry Genetics and Cardiovascular Biomedical Research Unit, Royal Brompton & Harefield NHS Foundation Trust); PubMed 11741928 (cited by 3 submitters); PubMed 11854117 (cited by 3 submitters); PubMed 12837749 (cited by Ambry Genetics and Labcorp Genetics (formerly Invitae), Labcorp); PubMed 15840476 (cited by Ambry Genetics and Cardiovascular Biomedical Research Unit, Royal Brompton & Harefield NHS Foundation Trust); PubMed 15851652 (cited by Ambry Genetics); PubMed 16432067 (cited by 3 submitters); PubMed 17569659 (cited by Ambry Genetics); PubMed 20348026 (cited by Ambry Genetics); PubMed 23303164 (cited by Ambry Genetics and Labcorp Genetics (formerly Invitae), Labcorp); PubMed 23316740 (cited by Ambry Genetics); PubMed 28431243 (cited by Ambry Genetics); PubMed 19841300 (cited by Labcorp Genetics (formerly Invitae), Labcorp); PubMed 18468596 (cited by Cardiovascular Biomedical Research Unit, Royal Brompton & Harefield NHS Foundation Trust); PubMed 22581653 (cited by Cardiovascular Biomedical Research Unit, Royal Brompton & Harefield NHS Foundation Trust).

NM_000238.4(KCNH2):c.2414T>G (p.Phe805Cys)

Gene: KCNH2 (potassium voltage-gated channel subfamily H member 2; minus strand). Cytogenetic location: 7q36.1.
Variant type: single nucleotide variant.
Coding change: c.2414T>G on transcript NM_000238.4 (MANE Select); coding-DNA position 2414, T replaced by G.
Protein change: p.Phe805Cys; replaces phenylalanine 805 with cysteine.
Molecular consequence: missense variant. On other transcripts: non-coding transcript variant (2).
Genome position (GRCh38, 1-based): chr7:150,949,034, A>C on the plus strand (T>G on the coding strand, the complement: KCNH2 is on the minus strand). VCF-style: chr7-150949034-A-C. GRCh37 (hg19) VCF-style: chr7-150646122-A-C.
Other names: p.F805C:TTT>TGT; c.2414T>G (LRG_288t1); c.2126T>G, p.Phe709Cys (NM_001406753.1); c.1394T>G, p.Phe465Cys (NM_172057.3); short protein forms F465C, F805C, F709C.
Identifiers: ClinVar variation 67397 (VCV000067397.14), dbSNP rs199472999, ClinGen allele CA006712.